The following is an entry in ClinVar:

NM_000494.4(COL17A1):c.723G>C (p.Gln241His)

Gene: COL17A1 (collagen type XVII alpha 1 chain; minus strand). Cytogenetic location: 10q25.1.
Variant type: single nucleotide variant.
Coding change: c.723G>C on transcript NM_000494.4 (MANE Select); coding-DNA position 723, G replaced by C.
Protein change: p.Gln241His; replaces glutamine 241 with histidine.
Molecular consequence: missense variant.
Genome position (GRCh38, 1-based): chr10:104,064,481, C>G on the plus strand (G>C on the coding strand, the complement: COL17A1 is on the minus strand). VCF-style: chr10-104064481-C-G. GRCh37 (hg19) VCF-style: chr10-105824239-C-G.
Other names: short protein forms Q241H.
Identifiers: ClinVar variation 3717172 (VCV003717172.2).

ClinVar aggregate classification (germline): Uncertain significance (1 of 4 stars; one submission).

gnomAD v4.1: 1 of 1,614,052 alleles (0.000062%); highest among the groups gnomAD compares: Admixed American, 0.0017%; no homozygotes.

Submission:

Labcorp Genetics (formerly Invitae), Labcorp
Classification: Uncertain significance. Last evaluated: 2024-07-08. Review status: criteria provided, single submitter. Criteria: Invitae Variant Classification Sherloc (09022015). Collection method: clinical testing. Allele origin: germline.
Comment: This sequence change replaces glutamine, which is neutral and polar, with histidine, which is basic and polar, at codon 241 of the COL17A1 protein (p.Gln241His). This variant is present in population databases (no rsID available, gnomAD 0.1%). This variant has not been reported in the literature in individuals affected with COL17A1-related conditions. Algorithms developed to predict the effect of missense changes on protein structure and function output the following: SIFT: "Not Available"; PolyPhen-2: "Not Available"; Align-GVGD: "Not Available". The histidine amino acid residue is found in multiple mammalian species, which suggests that this missense change does not adversely affect protein function. In summary, the available evidence is currently insufficient to determine the role of this variant in disease. Therefore, it has been classified as a Variant of Uncertain Significance.